The following is an entry in ClinVar:

ClinVar aggregate classification (germline): Pathogenic (1 of 4 stars; one submission).

Conditions:
Senior-Loken syndrome 8 (SLSN8). Identifiers: Orphanet 3156, MedGen C4225376, MONDO:0014579, OMIM 616307.
Asphyxiating thoracic dystrophy 5 (SRTD5). Also called: SHORT-RIB THORACIC DYSPLASIA 5 WITH OR WITHOUT POLYDACTYLY; SHORT-RIB THORACIC DYSPLASIA 5 WITHOUT POLYDACTYLY. Identifiers: Orphanet 474, MedGen C3280598, MONDO:0013717, OMIM 614376.

Submission:

Labcorp Genetics (formerly Invitae), Labcorp
Classification: Pathogenic for Senior-Loken syndrome 8; Asphyxiating thoracic dystrophy 5. Last evaluated: 2022-08-12. Review status: criteria provided, single submitter. Criteria: Invitae Variant Classification Sherloc (09022015). Collection method: clinical testing. Allele origin: germline.
Comment: For these reasons, this variant has been classified as Pathogenic. This variant has not been reported in the literature in individuals affected with WDR19-related conditions. This variant is not present in population databases (gnomAD no frequency). This sequence change creates a premature translational stop signal (p.Glu780Asnfs*13) in the WDR19 gene. It is expected to result in an absent or disrupted protein product. Loss-of-function variants in WDR19 are known to be pathogenic (PMID: 22019273, 23559409, 23683095, 26275793, 27241786, 29068549).

Literature cited by the submitters: PubMed 22019273; PubMed 23559409; PubMed 23683095; PubMed 26275793; PubMed 27241786; PubMed 29068549.

NM_025132.4(WDR19):c.2337del (p.Glu780fs)

Gene: WDR19 (WD repeat domain 19; plus strand). Cytogenetic location: 4p14.
Variant type: Deletion.
Coding change: c.2337del on transcript NM_025132.4 (MANE Select); coding-DNA position 2337, one base deleted (A; older notation c.2337delA).
Protein change: p.Glu780fs; shifts the reading frame from glutamic acid 780.
Molecular consequence: frameshift variant.
Genome position (GRCh38, 1-based): chr4:39,234,849, A deleted; the last of 4 consecutive A bases (chr4:39,234,846-39,234,849); deleting any one gives the same sequence. VCF-style (leftmost placement, unchanged base first): chr4-39234845-CA-C. GRCh37 (hg19) VCF-style: chr4-39236465-CA-C.
Other names: c.1857del, p.Glu620fs (NM_001317924.2); short protein forms E620fs, E780fs.
Identifiers: ClinVar variation 2023838 (VCV002023838.4), dbSNP rs2475220370, ClinGen allele CA2580070957.